The following is an entry in ClinVar:

NM_004370.6(COL12A1):c.4231A>G (p.Ser1411Gly)

Gene: COL12A1 (collagen type XII alpha 1 chain; minus strand). Cytogenetic location: 6q13.
Variant type: single nucleotide variant.
Coding change: c.4231A>G on transcript NM_004370.6 (MANE Select); coding-DNA position 4231, A replaced by G.
Protein change: p.Ser1411Gly; replaces serine 1411 with glycine.
Molecular consequence: missense variant.
Genome position (GRCh38, 1-based): chr6:75,148,414, T>C on the plus strand (A>G on the coding strand, the complement: COL12A1 is on the minus strand). VCF-style: chr6-75148414-T-C. GRCh37 (hg19) VCF-style: chr6-75858130-T-C.
Other names: c.739A>G, p.Ser247Gly (NM_080645.3); short protein forms S1411G, S247G.
Identifiers: ClinVar variation 1362141 (VCV001362141.8), dbSNP rs1385334403, ClinGen allele CA364745563.
Genomic context (GRCh38, chr6:75,148,414, plus strand): 5'-TCACTTCTTGACGTTTCCCTCCAGAAACTGGATAGTATTCCACCTTATATCGATCCACAC[T>C]GTCAGAAGGTGGTGTCCAGCTCACTCTAAAAGAACGATGGGTTCGCTCAGAAATAACTAA-3'
Protein context (NP_004361.3, residues 1401-1421): FRVSWTPPSD[Ser1411Gly]VDRYKVEYYP

ClinVar aggregate classification (germline): Uncertain significance (1 of 4 stars; one submission).

Conditions:
Ullrich congenital muscular dystrophy 2 (UCMD2). Identifiers: Orphanet 75840, MedGen C4225314, MONDO:0014654, OMIM 616470.
Bethlem myopathy 2 (BTHLM2). Identifiers: Orphanet 536516, Orphanet 610, MedGen C4225313, MONDO:0034022, OMIM 616471.

Allele frequency attached by ClinVar (database versions not stated): gnomAD exomes below 0.00001; TOPMed 0.00001; gnomAD 0.00002.
gnomAD v4.1: 8 of 1,613,406 alleles (0.0005%); highest among the groups gnomAD compares: African/African-American, 0.008%; no homozygotes.

Submission:

Labcorp Genetics (formerly Invitae), Labcorp
Classification: Uncertain significance for Bethlem myopathy 2; Ullrich congenital muscular dystrophy 2. Last evaluated: 2021-07-07. Review status: criteria provided, single submitter. Criteria: Invitae Variant Classification Sherloc (09022015). Collection method: clinical testing. Allele origin: germline.
Comment: This sequence change replaces serine with glycine at codon 1411 of the COL12A1 protein (p.Ser1411Gly). The serine residue is highly conserved and there is a small physicochemical difference between serine and glycine. This variant is not present in population databases (ExAC no frequency). This variant has not been reported in the literature in individuals affected with COL12A1-related conditions. Algorithms developed to predict the effect of missense changes on protein structure and function are either unavailable or do not agree on the potential impact of this missense change (SIFT: "Deleterious"; PolyPhen-2: "Probably Damaging"; Align-GVGD: "Class C0"). In summary, the available evidence is currently insufficient to determine the role of this variant in disease. Therefore, it has been classified as a Variant of Uncertain Significance.